The following is an entry in ClinVar:

ClinVar aggregate classification (germline): Conflicting classifications of pathogenicity. Review status: criteria provided, conflicting classifications (1 of 4 stars). 5 submissions from 5 submitters: Uncertain significance (1); Benign (1); Likely benign (3). Last evaluated 2026-01-02.

Conditions:
Charcot-Marie-Tooth disease. Also called: Charcot-Marie-Tooth Neuropathy; Charcot-Marie-Tooth Hereditary Neuropathy. Identifiers: Orphanet 166, MedGen C0007959, MONDO:0015626.
Charcot-Marie-Tooth disease type 4. Also called: Charcot-Marie-Tooth disease, type IV; Charcot-Marie-Tooth, Type 4. Identifiers: Orphanet 64749, MedGen C4082197, MONDO:0018995.
Inborn genetic diseases. Identifiers: MedGen C0950123, MeSH D030342.
Charcot-Marie-Tooth disease type 4H (CMT4H). Also called: CHARCOT-MARIE-TOOTH DISEASE, AUTOSOMAL RECESSIVE, TYPE 4H; CHARCOT-MARIE-TOOTH DISEASE, DEMYELINATING, AUTOSOMAL RECESSIVE, TYPE 4H; CHARCOT-MARIE-TOOTH NEUROPATHY, TYPE 4H; CHARCOT-MARIE-TOOTH DISEASE, DEMYELINATING, TYPE 4H. Identifiers: Orphanet 99954, MedGen C1836336, MONDO:0012250, OMIM 609311.

Allele frequency attached by ClinVar (database versions not stated): ESP Exome Variant Server 0.00015; gnomAD 0.00030 and 0.00038; TOPMed 0.00098; 1000 Genomes Project 0.00180; 1000 Genomes Project 30x 0.00187.
gnomAD v4.1: 605 of 1,614,206 alleles (0.037%); highest among the groups gnomAD compares: East Asian, 1%; 1 homozygote.

Submissions (5):

Labcorp Genetics (formerly Invitae), Labcorp
Classification: Benign for Charcot-Marie-Tooth disease type 4. Last evaluated: 2026-01-02. Review status: criteria provided, single submitter. Criteria: Invitae Variant Classification Sherloc (09022015). Collection method: clinical testing. Allele origin: germline.

Mayo Clinic Laboratories, Mayo Clinic
Classification: Likely benign. Last evaluated: 2025-05-27. Review status: criteria provided, single submitter. Criteria: ACMG Guidelines, 2015. Collection method: clinical testing. Allele origin: germline. Observed: 1 variant allele.
Comment: BS1, BP4

Ambry Genetics
Classification: Likely benign for Inborn genetic diseases. Last evaluated: 2019-11-15. Review status: criteria provided, single submitter. Criteria: Ambry Variant Classification Scheme 2023. Collection method: clinical testing. Allele origin: germline.

Illumina Laboratory Services, Illumina
Classification: Uncertain significance for Charcot-Marie-Tooth disease type 4H. Last evaluated: 2017-04-27. Review status: criteria provided, single submitter. Criteria: ICSL Variant Classification Criteria 13 December 2019. Collection method: clinical testing. Allele origin: germline.

Molecular Genetics Laboratory, London Health Sciences Centre
Classification: Likely benign for Charcot-Marie-Tooth disease. Review status: criteria provided, single submitter. Criteria: ACMG Guidelines, 2015. Collection method: clinical testing. Allele origin: germline. Affected: yes.

NM_001370298.3(FGD4):c.785C>T (p.Thr262Met)

Gene: FGD4 (FYVE, RhoGEF and PH domain containing 4; plus strand). Cytogenetic location: 12p11.21.
Variant type: single nucleotide variant.
Coding change: c.785C>T on transcript NM_001370298.3 (MANE Select); coding-DNA position 785, C replaced by T.
Protein change: p.Thr262Met; replaces threonine 262 with methionine.
Molecular consequence: missense variant. On other transcripts: 5 prime UTR variant (2), non-coding transcript variant (1), intron variant (1).
Genome position (GRCh38, 1-based): chr12:32,582,241, C>T. VCF-style: chr12-32582241-C-T. GRCh37 (hg19) VCF-style: chr12-32735175-C-T.
Other names: p.Thr125Met; c.629C>T, p.Thr210Met (NM_001304481.2); c.-471C>T (NM_001304483.2); c.-778C>T (NM_001304484.2); c.95C>T, p.Thr32Met (NM_001330373.2, NM_001330374.2, NM_001384130.1); c.785C>T, p.Thr262Met (NM_001384126.1); c.374C>T, p.Thr125Met (NM_001384127.1, NM_001384128.1, NM_001384131.1 and 3 more transcripts); c.49-16256C>T (NM_001370297.1); short protein forms T125M, T32M, T210M, T262M.
Identifiers: ClinVar variation 697392 (VCV000697392.18), dbSNP rs200732890, ClinGen allele CA6506619.